The following is an entry in ClinVar:

NM_005228.5(EGFR):c.411G>T (p.Met137Ile)

Gene: EGFR (epidermal growth factor receptor; plus strand). Cytogenetic location: 7p11.2.
Variant type: single nucleotide variant.
Coding change: c.411G>T on transcript NM_005228.5 (MANE Select); coding-DNA position 411, G replaced by T.
Protein change: p.Met137Ile; replaces methionine 137 with isoleucine.
Molecular consequence: missense variant. On other transcripts: intron variant (1).
Genome position (GRCh38, 1-based): chr7:55,143,475, G>T. VCF-style: chr7-55143475-G-T. GRCh37 (hg19) VCF-style: chr7-55211168-G-T.
Other names: c.411G>T, p.Met137Ile (NM_001346897.2, NM_001346898.2, NM_001346899.2 and 3 more transcripts); c.252G>T, p.Met84Ile (NM_001346900.2); c.89-12355G>T (NM_001346941.2); short protein forms M84I, M137I.
Identifiers: ClinVar variation 2966904 (VCV002966904.4), dbSNP rs1794583894, ClinGen allele CA367575994.

ClinVar aggregate classification (germline): Uncertain significance. Review status: criteria provided, multiple submitters, no conflicts (2 of 4 stars). 2 submissions from 2 submitters: Uncertain significance (2). Last evaluated 2025-06-19.

Conditions:
Hereditary cancer-predisposing syndrome. Also called: Tumor predisposition; Hereditary neoplastic syndrome; Hereditary Cancer Syndrome; Neoplastic Syndromes, Hereditary. Identifiers: Orphanet 140162, MedGen C0027672, MeSH D009386, MONDO:0015356.
EGFR-related lung cancer (EGFR). Identifiers: MedGen CN130014.

Submissions (2):

Ambry Genetics
Classification: Uncertain significance for Hereditary cancer-predisposing syndrome. Last evaluated: 2025-06-19. Review status: criteria provided, single submitter. Criteria: Ambry Variant Classification Scheme 2023. Collection method: clinical testing. Allele origin: germline.
Comment: The p.M137I variant (also known as c.411G>T), located in coding exon 3 of the EGFR gene, results from a G to T substitution at nucleotide position 411. The methionine at codon 137 is replaced by isoleucine, an amino acid with highly similar properties. This amino acid position is not well conserved in available vertebrate species. In addition, this alteration is predicted to be tolerated by in silico analysis. Based on the available evidence, the clinical significance of this variant remains unclear.

Labcorp Genetics (formerly Invitae), Labcorp
Classification: Uncertain significance for EGFR-related lung cancer. Last evaluated: 2023-09-15. Review status: criteria provided, single submitter. Criteria: Invitae Variant Classification Sherloc (09022015). Collection method: clinical testing. Allele origin: germline.
Comment: In summary, the available evidence is currently insufficient to determine the role of this variant in disease. Therefore, it has been classified as a Variant of Uncertain Significance. Advanced modeling of protein sequence and biophysical properties (such as structural, functional, and spatial information, amino acid conservation, physicochemical variation, residue mobility, and thermodynamic stability) performed at Invitae indicates that this missense variant is not expected to disrupt EGFR protein function. This variant has not been reported in the literature in individuals affected with EGFR-related conditions. This variant is not present in population databases (gnomAD no frequency). This sequence change replaces methionine, which is neutral and non-polar, with isoleucine, which is neutral and non-polar, at codon 137 of the EGFR protein (p.Met137Ile).